The following is an entry in ClinVar:

NM_001322934.2(NFKB2):c.1399A>G (p.Thr467Ala)

Gene: NFKB2 (nuclear factor kappa B subunit 2; plus strand). Cytogenetic location: 10q24.32.
Variant type: single nucleotide variant.
Coding change: c.1399A>G on transcript NM_001322934.2 (MANE Select); coding-DNA position 1399, A replaced by G.
Protein change: p.Thr467Ala; replaces threonine 467 with alanine.
Molecular consequence: missense variant.
Genome position (GRCh38, 1-based): chr10:102,399,648, A>G. VCF-style: chr10-102399648-A-G. GRCh37 (hg19) VCF-style: chr10-104159405-A-G.
Other names: c.1399A>G, p.Thr467Ala (NM_001077493.1, NM_001077494.3, NM_001261403.3 and 2 more transcripts); c.1273A>G, p.Thr425Ala (NM_001322935.1); short protein forms T425A, T467A.
Identifiers: ClinVar variation 2121300 (VCV002121300.4), dbSNP rs2544591672, ClinGen allele CA377899536.

ClinVar aggregate classification (germline): Uncertain significance (1 of 4 stars; one submission).

Conditions:
Immunodeficiency, common variable, 10. Also called: IMMUNODEFICIENCY, COMMON VARIABLE, WITH CENTRAL ADRENAL INSUFFICIENCY; DEFICIT IN ANTERIOR PITUITARY FUNCTION AND VARIABLE IMMUNODEFICIENCY. Identifiers: MedGen C3809991, MONDO:0014260, OMIM 615577.

Submission:

Labcorp Genetics (formerly Invitae), Labcorp
Classification: Uncertain significance for Immunodeficiency, common variable, 10. Last evaluated: 2022-09-17. Review status: criteria provided, single submitter. Criteria: Invitae Variant Classification Sherloc (09022015). Collection method: clinical testing. Allele origin: germline.
Comment: This variant has not been reported in the literature in individuals affected with NFKB2-related conditions. This sequence change replaces threonine, which is neutral and polar, with alanine, which is neutral and non-polar, at codon 467 of the NFKB2 protein (p.Thr467Ala). This variant is not present in population databases (gnomAD no frequency). In summary, the available evidence is currently insufficient to determine the role of this variant in disease. Therefore, it has been classified as a Variant of Uncertain Significance. Algorithms developed to predict the effect of missense changes on protein structure and function are either unavailable or do not agree on the potential impact of this missense change (SIFT: "Deleterious"; PolyPhen-2: "Probably Damaging"; Align-GVGD: "Class C0").